The following is an entry in ClinVar:

ClinVar aggregate classification (germline): Uncertain significance (1 of 4 stars; one submission).

Submission:

Labcorp Genetics (formerly Invitae), Labcorp
Classification: Uncertain significance. Last evaluated: 2025-01-29. Review status: criteria provided, single submitter. Criteria: Invitae Variant Classification Sherloc (09022015). Collection method: clinical testing. Allele origin: germline.
Comment: This sequence change replaces threonine, which is neutral and polar, with isoleucine, which is neutral and non-polar, at codon 69 of the CTNNA1 protein (p.Thr69Ile). This variant is not present in population databases (gnomAD no frequency). This variant has not been reported in the literature in individuals affected with CTNNA1-related conditions. Invitae Evidence Modeling of protein sequence and biophysical properties (such as structural, functional, and spatial information, amino acid conservation, physicochemical variation, residue mobility, and thermodynamic stability) indicates that this missense variant is not expected to disrupt CTNNA1 protein function with a negative predictive value of 80%. In summary, the available evidence is currently insufficient to determine the role of this variant in disease. Therefore, it has been classified as a Variant of Uncertain Significance.

NM_001903.5(CTNNA1):c.206C>T (p.Thr69Ile)

Gene: CTNNA1 (catenin alpha 1; plus strand). Cytogenetic location: 5q31.2.
Variant type: single nucleotide variant.
Coding change: c.206C>T on transcript NM_001903.5 (MANE Select); coding-DNA position 206, C replaced by T.
Protein change: p.Thr69Ile; replaces threonine 69 with isoleucine.
Molecular consequence: missense variant. On other transcripts: intron variant (2).
Genome position (GRCh38, 1-based): chr5:138,783,277, C>T. VCF-style: chr5-138783277-C-T. GRCh37 (hg19) VCF-style: chr5-138118966-C-T.
Other names: c.206C>T, p.Thr69Ile (NM_001290307.3, NM_001323982.2, NM_001323983.1 and 3 more transcripts); c.-6+5C>T (NM_001290310.3); c.-9+1248C>T (NM_001290309.3); short protein forms T69I.
Identifiers: ClinVar variation 3656538 (VCV003656538.2).